The following is an entry in ClinVar:

ClinVar aggregate classification (germline): Uncertain significance. Review status: criteria provided, multiple submitters, no conflicts (2 of 4 stars). 3 submissions from 3 submitters: Uncertain significance (3). Last evaluated 2025-01-24.

Conditions:
Congenital stationary night blindness 1B. Also called: Night blindness, congenital stationary (complete), 1B, autosomal recessive; NIGHT BLINDNESS, CONGENITAL STATIONARY, COMPLETE, AUTOSOMAL RECESSIVE. Identifiers: Orphanet 215, MedGen C1850362, MONDO:0009758, OMIM 257270.
Inborn genetic diseases. Identifiers: MedGen C0950123, MeSH D030342.

gnomAD v4.1: 18 of 1,614,096 alleles (0.0011%); highest among the groups gnomAD compares: Admixed American, 0.0083%; no homozygotes.

Submissions (3):

Ambry Genetics
Classification: Uncertain significance for Inborn genetic diseases. Last evaluated: 2025-01-24. Review status: criteria provided, single submitter. Criteria: Ambry Variant Classification Scheme 2023. Collection method: clinical testing. Allele origin: germline.

Labcorp Genetics (formerly Invitae), Labcorp
Classification: Uncertain significance. Last evaluated: 2024-10-16. Review status: criteria provided, single submitter. Criteria: Invitae Variant Classification Sherloc (09022015). Collection method: clinical testing. Allele origin: germline.
Comment: This sequence change replaces glycine, which is neutral and non-polar, with arginine, which is basic and polar, at codon 468 of the GRM6 protein (p.Gly468Arg). This variant is present in population databases (rs753518764, gnomAD 0.01%). This variant has not been reported in the literature in individuals affected with GRM6-related conditions. Invitae Evidence Modeling of protein sequence and biophysical properties (such as structural, functional, and spatial information, amino acid conservation, physicochemical variation, residue mobility, and thermodynamic stability) has been performed for this missense variant. However, the output from this modeling did not meet the statistical confidence thresholds required to predict the impact of this variant on GRM6 protein function. In summary, the available evidence is currently insufficient to determine the role of this variant in disease. Therefore, it has been classified as a Variant of Uncertain Significance.

3billion
Classification: Uncertain significance for Congenital stationary night blindness 1B. Last evaluated: 2024-02-22. Review status: criteria provided, single submitter. Criteria: ACMG Guidelines, 2015. Collection method: clinical testing. Allele origin: germline. Affected: yes.
Comment: The variant is observed at an extremely low frequency in the gnomAD v2.1.1 dataset (total allele frequency: 0.002%). Predicted Consequence/Location: The majority of the known disease-causing variants of this gene are variants expected to result in premature termination of the protein. In silico tool predictions suggest damaging effect of the variant on gene or gene product [REVEL: 0.90 (>=0.6, sensitivity 0.68 and specificity 0.92); 3Cnet: 0.91 (>=0.6, sensitivity 0.72 and precision 0.9)]. Therefore, this variant is classified as VUS according to the recommendation of ACMG/AMP guideline.

NM_000843.4(GRM6):c.1402G>A (p.Gly468Arg)

Genes: ZNF454 (zinc finger protein 454; plus strand), GRM6 (glutamate metabotropic receptor 6; minus strand). Cytogenetic location: 5q35.3.
Variant type: single nucleotide variant.
Coding change: c.1402G>A on transcript NM_000843.4 (MANE Select); coding-DNA position 1402, G replaced by A.
Protein change: p.Gly468Arg; replaces glycine 468 with arginine.
Molecular consequence: missense variant.
Genome position (GRCh38, 1-based): chr5:178,986,936, C>T on the plus strand (G>A on the coding strand, the complement: GRM6 is on the minus strand). VCF-style: chr5-178986936-C-T. GRCh37 (hg19) VCF-style: chr5-178413937-C-T.
Other names: c.1402G>A (NM_000843.3); short protein forms G468R.
Identifiers: ClinVar variation 3615898 (VCV003615898.4).
Genomic context (GRCh38, chr5:178,986,936, plus strand): 5'-GGTACCCGCCACTGCTGGCACTGCCATTGGTCGCCTGGTACTGGAAGATGTCGTACCGCC[C>T]GGGCGCATCTCCGTTCTCGTTGAACATCACAGGGGTTCCTGCGCTGCCTGGAGAGAGAGT-3'
Protein context (NP_000834.2, residues 458-478): VMFNENGDAP[Gly468Arg]RYDIFQYQAT